The following is an entry in ClinVar:

NM_005853.6(IRX5):c.219C>T (p.Ala73=)

Gene: IRX5 (iroquois homeobox 5; plus strand). Cytogenetic location: 16q12.2.
Variant type: single nucleotide variant.
Coding change: c.219C>T on transcript NM_005853.6 (MANE Select); coding-DNA position 219, C replaced by T.
Protein change: p.Ala73=; no amino-acid change (alanine 73 retained).
Molecular consequence: synonymous variant.
Genome position (GRCh38, 1-based): chr16:54,931,417, C>T. VCF-style: chr16-54931417-C-T. GRCh37 (hg19) VCF-style: chr16-54965329-C-T.
Other names: c.219C>T, p.Ala73= (NM_001252197.1).
Identifiers: ClinVar variation 3037463 (VCV003037463.2), dbSNP rs766520741, ClinGen allele CA8059123.

ClinVar aggregate classification (germline): Likely benign (0 of 4 stars; one submission).

Conditions:
IRX5-related disorder. Also called: IRX5-related condition.

Allele frequency attached by ClinVar (database versions not stated): gnomAD exomes 0.00001; ExAC 0.00004; gnomAD 0.00007; TOPMed 0.00009.

Submission:

PreventionGenetics, part of Exact Sciences
Classification: Likely benign for IRX5-related condition. Last evaluated: 2019-04-30. Review status: no assertion criteria provided. Collection method: clinical testing. Allele origin: germline.
Comment: This variant is classified as likely benign based on ACMG/AMP sequence variant interpretation guidelines (Richards et al. 2015 PMID: 25741868, with internal and published modifications).